The following is an entry in ClinVar:

ClinVar aggregate classification (germline): Uncertain significance. Review status: criteria provided, multiple submitters, no conflicts (2 of 4 stars). 2 submissions from 2 submitters: Uncertain significance (2). Last evaluated 2025-04-01.

Conditions:
Primary ciliary dyskinesia. Also called: Ciliary dyskinesia. Identifiers: Orphanet 244, MedGen C0008780, MONDO:0016575, HP:0012265.

Allele frequency attached by ClinVar (database versions not stated): gnomAD exomes 0.00001 and 0.00002.

Submissions (2):

Ambry Genetics
Classification: Uncertain significance for Primary ciliary dyskinesia. Last evaluated: 2025-04-01. Review status: criteria provided, single submitter. Criteria: Ambry Variant Classification Scheme 2023. Collection method: clinical testing. Allele origin: germline.

Labcorp Genetics (formerly Invitae), Labcorp
Classification: Uncertain significance for Primary ciliary dyskinesia. Last evaluated: 2024-10-24. Review status: criteria provided, single submitter. Criteria: Invitae Variant Classification Sherloc (09022015). Collection method: clinical testing. Allele origin: germline.
Comment: This sequence change replaces isoleucine, which is neutral and non-polar, with threonine, which is neutral and polar, at codon 213 of the DNAAF1 protein (p.Ile213Thr). This variant is present in population databases (no rsID available, gnomAD 0.01%). This variant has not been reported in the literature in individuals affected with DNAAF1-related conditions. ClinVar contains an entry for this variant (Variation ID: 1408003). An algorithm developed to predict the effect of missense changes on protein structure and function (PolyPhen-2) suggests that this variant is likely to be disruptive. In summary, the available evidence is currently insufficient to determine the role of this variant in disease. Therefore, it has been classified as a Variant of Uncertain Significance.

NM_178452.6(DNAAF1):c.638T>C (p.Ile213Thr)

Gene: DNAAF1 (dynein axonemal assembly factor 1; plus strand). Cytogenetic location: 16q24.1.
Variant type: single nucleotide variant.
Coding change: c.638T>C on transcript NM_178452.6 (MANE Select); coding-DNA position 638, T replaced by C.
Protein change: p.Ile213Thr; replaces isoleucine 213 with threonine.
Molecular consequence: missense variant.
Genome position (GRCh38, 1-based): chr16:84,155,646, T>C. VCF-style: chr16-84155646-T-C. GRCh37 (hg19) VCF-style: chr16-84189251-T-C.
Other names: c.638T>C (NM_178452.4); short protein forms I213T.
Identifiers: ClinVar variation 1408003 (VCV001408003.6), dbSNP rs1433999083, ClinGen allele CA396943723.